The following is an entry in ClinVar:

ClinVar aggregate classification (germline): Uncertain significance (1 of 4 stars; one submission).

Submission:

GeneDx
Classification: Uncertain significance. Last evaluated: 2025-07-03. Review status: criteria provided, single submitter. Criteria: GeneDx Variant Classification Process June 2021. Collection method: clinical testing. Allele origin: germline.
Comment: Not observed at significant frequency in large population cohorts (gnomAD); In silico analysis suggests that this missense variant does not alter protein structure/function; Has not been previously published as pathogenic or benign to our knowledge

NM_001273.5(CHD4):c.1300C>G (p.Leu434Val)

Gene: CHD4 (chromodomain helicase DNA binding protein 4; minus strand). Cytogenetic location: 12p13.31.
Variant type: single nucleotide variant.
Coding change: c.1300C>G on transcript NM_001273.5 (MANE Select); coding-DNA position 1300, C replaced by G.
Protein change: p.Leu434Val; replaces leucine 434 with valine.
Molecular consequence: missense variant.
Genome position (GRCh38, 1-based): chr12:6,599,955, G>C on the plus strand (C>G on the coding strand, the complement: CHD4 is on the minus strand). VCF-style: chr12-6599955-G-C. GRCh37 (hg19) VCF-style: chr12-6709121-G-C.
Other names: c.1279C>G, p.Leu427Val (NM_001297553.2); c.1261C>G, p.Leu421Val (NM_001363606.2); short protein forms L421V, L427V, L434V.
Identifiers: ClinVar variation 3367574 (VCV003367574.2).